The following is an entry in ClinVar:

ClinVar aggregate classification (germline): Uncertain significance (1 of 4 stars; one submission).

Conditions:
Congenital myasthenic syndrome 18. Also called: MYASTHENIC SYNDROME, CONGENITAL, 18, WITH INTELLECTUAL DISABILITY AND ATAXIA. Identifiers: Orphanet 590, MedGen C4225364, MONDO:0014590, OMIM 616330.

Allele frequency attached by ClinVar (database versions not stated): gnomAD exomes below 0.00001 and 0.00001; ExAC 0.00001; TOPMed 0.00002; gnomAD 0.00003 and 0.00004.
gnomAD v4.1: 7 of 1,613,542 alleles (0.00043%); highest among the groups gnomAD compares: African/African-American, 0.008%; no homozygotes.

Submission:

Labcorp Genetics (formerly Invitae), Labcorp
Classification: Uncertain significance for Congenital myasthenic syndrome 18. Last evaluated: 2023-05-08. Review status: criteria provided, single submitter. Criteria: Invitae Variant Classification Sherloc (09022015). Collection method: clinical testing. Allele origin: germline.
Comment: In summary, the available evidence is currently insufficient to determine the role of this variant in disease. Therefore, it has been classified as a Variant of Uncertain Significance. An algorithm developed to predict the effect of missense changes on protein structure and function (PolyPhen-2) suggests that this variant is likely to be disruptive. ClinVar contains an entry for this variant (Variation ID: 1396501). This variant has not been reported in the literature in individuals affected with SNAP25-related conditions. The frequency data for this variant in the population databases is considered unreliable, as metrics indicate poor data quality at this position in the gnomAD database. This sequence change replaces arginine, which is basic and polar, with histidine, which is basic and polar, at codon 176 of the SNAP25 protein (p.Arg176His).

NM_130811.4(SNAP25):c.527G>A (p.Arg176His)

Gene: SNAP25 (synaptosome associated protein 25; plus strand). Cytogenetic location: 20p12.2.
Variant type: single nucleotide variant.
Coding change: c.527G>A on transcript NM_130811.4 (MANE Select); coding-DNA position 527, G replaced by A.
Protein change: p.Arg176His; replaces arginine 176 with histidine.
Molecular consequence: missense variant.
Genome position (GRCh38, 1-based): chr20:10,299,387, G>A. VCF-style: chr20-10299387-G-A. GRCh37 (hg19) VCF-style: chr20-10280035-G-A.
Other names: c.527G>A, p.Arg176His (NM_001322902.2, NM_001322903.2, NM_001322904.2 and 7 more transcripts); short protein forms R176H.
Identifiers: ClinVar variation 1396501 (VCV001396501.6), dbSNP rs751046094, ClinGen allele CA9763391.